The following is an entry in ClinVar:

ClinVar aggregate classification (germline): Uncertain significance. Review status: criteria provided, multiple submitters, no conflicts (2 of 4 stars). 3 submissions from 3 submitters: Uncertain significance (3). Last evaluated 2026-02-06.

Conditions:
Focal segmental glomerulosclerosis 5 (FSGS5). Identifiers: Orphanet 656, MedGen C2750475, MONDO:0013191, OMIM 613237.
Charcot-Marie-Tooth disease dominant intermediate E. Also called: CHARCOT-MARIE-TOOTH NEUROPATHY WITH FOCAL SEGMENTAL GLOMERULONEPHRITIS. Identifiers: Orphanet 93114, MedGen C4302667, MONDO:0013758, OMIM 614455.

gnomAD v4.1: 2 of 1,613,120 alleles (0.00012%); highest among the groups gnomAD compares: Non-Finnish European, 0.00017%; no homozygotes.

Submissions (3):

GeneDx
Classification: Uncertain significance. Last evaluated: 2026-02-06. Review status: criteria provided, single submitter. Criteria: GeneDx Variant Classification Process June 2021. Collection method: clinical testing. Allele origin: germline.
Comment: Not observed at significant frequency in large population cohorts (gnomAD); In silico analysis supports that this missense variant has a deleterious effect on protein structure/function; Has not been previously published as pathogenic or benign to our knowledge

Labcorp Genetics (formerly Invitae), Labcorp
Classification: Uncertain significance for Charcot-Marie-Tooth disease dominant intermediate E; Focal segmental glomerulosclerosis 5. Last evaluated: 2024-12-16. Review status: criteria provided, single submitter. Criteria: Invitae Variant Classification Sherloc (09022015). Collection method: clinical testing. Allele origin: germline.
Comment: This sequence change replaces phenylalanine, which is neutral and non-polar, with leucine, which is neutral and non-polar, at codon 644 of the INF2 protein (p.Phe644Leu). This variant is not present in population databases (gnomAD no frequency). This variant has not been reported in the literature in individuals affected with INF2-related conditions. ClinVar contains an entry for this variant (Variation ID: 1371262). Invitae Evidence Modeling of protein sequence and biophysical properties (such as structural, functional, and spatial information, amino acid conservation, physicochemical variation, residue mobility, and thermodynamic stability) indicates that this missense variant is not expected to disrupt INF2 protein function with a negative predictive value of 95%. In summary, the available evidence is currently insufficient to determine the role of this variant in disease. Therefore, it has been classified as a Variant of Uncertain Significance.

Fulgent Genetics
Classification: Uncertain significance for Focal segmental glomerulosclerosis 5; Charcot-Marie-Tooth disease dominant intermediate E. Last evaluated: 2024-02-12. Review status: criteria provided, single submitter. Criteria: ACMG Guidelines, 2015. Collection method: clinical testing. Allele origin: germline.

NM_022489.4(INF2):c.1932C>G (p.Phe644Leu)

Gene: INF2 (inverted formin 2; plus strand). Cytogenetic location: 14q32.33.
Variant type: single nucleotide variant.
Coding change: c.1932C>G on transcript NM_022489.4 (MANE Select); coding-DNA position 1932, C replaced by G.
Protein change: p.Phe644Leu; replaces phenylalanine 644 with leucine.
Molecular consequence: missense variant.
Genome position (GRCh38, 1-based): chr14:104,708,715, C>G. VCF-style: chr14-104708715-C-G. GRCh37 (hg19) VCF-style: chr14-105175052-C-G.
Other names: c.1932C>G, p.Phe644Leu (NM_001031714.4); c.1932C>G (NM_022489.3); short protein forms F644L.
Identifiers: ClinVar variation 1371262 (VCV001371262.8), dbSNP rs966287674, ClinGen allele CA391219092.